The following is an entry in ClinVar:

NM_201253.3(CRB1):c.796T>A (p.Cys266Ser)

Gene: CRB1 (crumbs cell polarity complex component 1; plus strand). Cytogenetic location: 1q31.3.
Variant type: single nucleotide variant.
Coding change: c.796T>A on transcript NM_201253.3 (MANE Select); coding-DNA position 796, T replaced by A.
Protein change: p.Cys266Ser; replaces cysteine 266 with serine.
Molecular consequence: missense variant. On other transcripts: non-coding transcript variant (2), intron variant (1).
Genome position (GRCh38, 1-based): chr1:197,344,424, T>A. VCF-style: chr1-197344424-T-A. GRCh37 (hg19) VCF-style: chr1-197313554-T-A.
Other names: c.589T>A, p.Cys197Ser (NM_001257965.2); c.796T>A, p.Cys266Ser (NM_001257966.2); c.653-12407T>A (NM_001193640.2); short protein forms C197S, C266S.
Identifiers: ClinVar variation 866804 (VCV000866804.7), dbSNP rs1659650891, ClinGen allele CA344083422.

ClinVar aggregate classification (germline): Conflicting classifications of pathogenicity. Review status: criteria provided, conflicting classifications (1 of 4 stars). 7 submissions from 5 submitters: Likely pathogenic (1); Uncertain significance (5). 1 of the submissions does not count toward it. Last evaluated 2024-09-26.

Conditions:
Inborn genetic diseases. Identifiers: MedGen C0950123, MeSH D030342.
Leber congenital amaurosis (LCA). Also called: Leber's amaurosis. Identifiers: Orphanet 65, MedGen C0339527, MeSH D057130, MONDO:0018998.
Leber congenital amaurosis 8 (LCA8). Identifiers: Orphanet 65, MedGen C3151202, MONDO:0013453, OMIM 613835.
Retinitis pigmentosa 12 (RP12). Also called: RP WITH OR WITHOUT PPRPE; RP WITH OR WITHOUT PRESERVED PARAARTERIOLE RETINAL PIGMENT EPITHELIUM; RETINITIS PIGMENTOSA WITH OR WITHOUT PARAARTERIOLAR PRESERVATION OF RETINAL PIGMENT EPITHELIUM. Identifiers: Orphanet 791, MedGen C1838647, MONDO:0010818, OMIM 600105.
CRB1-related disorder. Also called: CRB1-related condition; CRB1-related disorders.
Pigmented paravenous retinochoroidal atrophy. Identifiers: Orphanet 251295, MedGen C1868310, MONDO:0008246, OMIM 172870.

Allele frequency attached by ClinVar (database versions not stated): gnomAD exomes below 0.00001.
gnomAD v4.1: 1 of 1,614,054 alleles (0.000062%); highest among the groups gnomAD compares: Non-Finnish European, 0.000085%; no homozygotes.

Submissions (7):

Blueprint Genetics
Classification: Likely pathogenic for CRB1-related disorders. Last evaluated: 2024-09-26. Review status: criteria provided, single submitter. Criteria: ACMG Guidelines, 2015. Collection method: clinical testing. Allele origin: germline. Affected: yes. Observed: 4 variant alleles.

Ambry Genetics
Classification: Uncertain significance for Inborn genetic diseases. Last evaluated: 2023-09-22. Review status: criteria provided, single submitter. Criteria: Ambry Variant Classification Scheme 2023. Collection method: clinical testing. Allele origin: germline.

Genome-Nilou Lab
Classification: Uncertain significance for Leber congenital amaurosis 8. Last evaluated: 2023-04-11. Review status: criteria provided, single submitter. Criteria: ACMG Guidelines, 2015. Collection method: clinical testing. Allele origin: germline. Affected: no.

Genome-Nilou Lab
Classification: Uncertain significance for Pigmented paravenous retinochoroidal atrophy. Last evaluated: 2023-04-11. Review status: criteria provided, single submitter. Criteria: ACMG Guidelines, 2015. Collection method: clinical testing. Allele origin: germline. Affected: no.

Genome-Nilou Lab
Classification: Uncertain significance for Retinitis pigmentosa 12. Last evaluated: 2023-04-11. Review status: criteria provided, single submitter. Criteria: ACMG Guidelines, 2015. Collection method: clinical testing. Allele origin: germline. Affected: no.

Labcorp Genetics (formerly Invitae), Labcorp
Classification: Uncertain significance for Leber congenital amaurosis 8; Retinitis pigmentosa 12. Last evaluated: 2022-09-24. Review status: criteria provided, single submitter. Criteria: Invitae Variant Classification Sherloc (09022015). Collection method: clinical testing. Allele origin: germline.
Comment: This sequence change replaces cysteine, which is neutral and slightly polar, with serine, which is neutral and polar, at codon 266 of the CRB1 protein (p.Cys266Ser). This variant is not present in population databases (gnomAD no frequency). This missense change has been observed in individual(s) with clinical features of CRB1-related conditions (Invitae). ClinVar contains an entry for this variant (Variation ID: 866804). Advanced modeling of protein sequence and biophysical properties (such as structural, functional, and spatial information, amino acid conservation, physicochemical variation, residue mobility, and thermodynamic stability) performed at Invitae indicates that this missense variant is expected to disrupt CRB1 protein function. In summary, the available evidence is currently insufficient to determine the role of this variant in disease. Therefore, it has been classified as a Variant of Uncertain Significance.

Natera, Inc.
Classification: Uncertain significance for Leber congenital amaurosis. Last evaluated: 2021-02-06. Review status: no assertion criteria provided. Collection method: clinical testing. Allele origin: germline. Not counted in ClinVar's aggregate classification.